The following is an entry in ClinVar:

ClinVar aggregate classification (germline): Uncertain significance (1 of 4 stars; one submission).

Conditions:
PCSK1-related disorder. Also called: PCSK1-related condition.

gnomAD v4.1: 2 of 1,613,216 alleles (0.00012%); highest among the groups gnomAD compares: Non-Finnish European, 0.00017%; no homozygotes.

Submission:

PreventionGenetics, part of Exact Sciences
Classification: Uncertain significance for PCSK1-related condition. Last evaluated: 2025-09-29. Review status: criteria provided, single submitter. Criteria: ACMG Guidelines, 2015. Collection method: clinical testing. Allele origin: germline.
Comment: The PCSK1 c.1714A>G variant is predicted to result in the amino acid substitution p.Thr572Ala. To our knowledge, this variant has not been reported in the literature or in a large population database (gnomAD), indicating this variant is rare. In vitro functional studies showed this variant did not reduce protein function and could cause increased function (Supplemental Data Set 3, Shah et al. 2023. PubMed ID: 36864747). At this time, the clinical significance of this variant is uncertain due to the absence of conclusive functional and genetic evidence.

NM_000439.5(PCSK1):c.1714A>G (p.Thr572Ala)

Genes: CAST (calpastatin; plus strand), PCSK1 (proprotein convertase subtilisin/kexin type 1; minus strand), LOC101929710 (uncharacterized LOC101929710; plus strand). Cytogenetic location: 5q15.
Variant type: single nucleotide variant.
Coding change: c.1714A>G on transcript NM_000439.5 (MANE Select); coding-DNA position 1714, A replaced by G.
Protein change: p.Thr572Ala; replaces threonine 572 with alanine.
Molecular consequence: missense variant. On other transcripts: intron variant (11).
Genome position (GRCh38, 1-based): chr5:96,397,344, T>C on the plus strand (A>G on the coding strand, the complement: PCSK1 is on the minus strand). VCF-style: chr5-96397344-T-C. GRCh37 (hg19) VCF-style: chr5-95733048-T-C.
Other names: c.1573A>G, p.Thr525Ala (NM_001177875.2); c.-175+17692T>C (NM_001423254.1, NM_001423259.1, NM_001423255.1 and 6 more transcripts); c.-103+17692T>C (NM_001423253.1); c.-40+17692T>C (NM_001423258.1); short protein forms T525A, T572A.
Identifiers: ClinVar variation 4993729 (VCV004993729.1).